The following is an entry in ClinVar:

NM_001352754.2(ARMC9):c.413C>T (p.Ala138Val)

Gene: ARMC9 (armadillo repeat containing 9; plus strand). Cytogenetic location: 2q37.1.
Variant type: single nucleotide variant.
Coding change: c.413C>T on transcript NM_001352754.2 (MANE Select); coding-DNA position 413, C replaced by T.
Protein change: p.Ala138Val; replaces alanine 138 with valine.
Molecular consequence: missense variant. On other transcripts: non-coding transcript variant (1).
Genome position (GRCh38, 1-based): chr2:231,216,702, C>T. VCF-style: chr2-231216702-C-T. GRCh37 (hg19) VCF-style: chr2-232081415-C-T.
Other names: c.413C>T, p.Ala138Val (NM_001271466.4, NM_001291656.2, NM_001352755.2 and 5 more transcripts); short protein forms A138V.
Identifiers: ClinVar variation 1521030 (VCV001521030.6), dbSNP rs2125324057, ClinGen allele CA350947028.

ClinVar aggregate classification (germline): Uncertain significance (1 of 4 stars; one submission).

Submission:

Labcorp Genetics (formerly Invitae), Labcorp
Classification: Uncertain significance. Last evaluated: 2025-08-21. Review status: criteria provided, single submitter. Criteria: Invitae Variant Classification Sherloc (09022015). Collection method: clinical testing. Allele origin: germline.
Comment: This sequence change replaces alanine, which is neutral and non-polar, with valine, which is neutral and non-polar, at codon 138 of the ARMC9 protein (p.Ala138Val). This variant is not present in population databases (gnomAD no frequency). This variant has not been reported in the literature in individuals affected with ARMC9-related conditions. ClinVar contains an entry for this variant (Variation ID: 1521030). Experimental studies and prediction algorithms are not available or were not evaluated, and the functional significance of this variant is currently unknown. In summary, the available evidence is currently insufficient to determine the role of this variant in disease. Therefore, it has been classified as a Variant of Uncertain Significance.